The following is an entry in ClinVar:

NM_000827.4(GRIA1):c.2682C>T (p.Ser894=)

Gene: GRIA1 (glutamate ionotropic receptor AMPA type subunit 1; plus strand). Cytogenetic location: 5q33.2.
Variant type: single nucleotide variant.
Coding change: c.2682C>T on transcript NM_000827.4 (MANE Select); coding-DNA position 2682, C replaced by T.
Protein change: p.Ser894=; no amino-acid change (serine 894 retained).
Molecular consequence: synonymous variant. On other transcripts: non-coding transcript variant (2).
Genome position (GRCh38, 1-based): chr5:153,811,186, C>T. VCF-style: chr5-153811186-C-T. GRCh37 (hg19) VCF-style: chr5-153190746-C-T.
Other names: c.2682C>T, p.Ser894= (NM_001114183.2); c.2442C>T, p.Ser814= (NM_001258019.2); c.2397C>T, p.Ser799= (NM_001258020.2); c.2712C>T, p.Ser904= (NM_001258021.2, NM_001258022.2); c.2475C>T, p.Ser825= (NM_001258023.1, NM_001364167.2); c.2514C>T, p.Ser838= (NM_001364165.2); c.2709C>T, p.Ser903= (NM_001364166.2).
Identifiers: ClinVar variation 3053012 (VCV003053012.2), dbSNP rs149914583, ClinGen allele CA3524910.
Genomic context (GRCh38, chr5:153,811,186, plus strand): 5'-GAATGGTCGGGTGGTCAGCCATGACTTCCCCAAGTCCATGCAATCGATTCCTTGCATGAG[C>T]CACAGTTCAGGGATGCCCTTGGGAGCCACGGGATTGTAACTGGAGCAGATGGAGACCCCT-3'
Protein context (NP_000818.2, residues 884-904): PKSMQSIPCM[Ser894=]HSSGMPLGAT

ClinVar aggregate classification (germline): Likely benign (0 of 4 stars; one submission).

Conditions:
GRIA1-related disorder. Also called: GRIA1-related condition.

Allele frequency attached by ClinVar (database versions not stated): gnomAD exomes 0.00006; 1000 Genomes Project 0.00020; ExAC 0.00021; 1000 Genomes Project 30x 0.00031; gnomAD 0.00047; ESP Exome Variant Server 0.00054; TOPMed 0.00065.
gnomAD v4.1: 167 of 1,614,080 alleles (0.01%); highest among the groups gnomAD compares: African/African-American, 0.18%; no homozygotes.

Submission:

PreventionGenetics, part of Exact Sciences
Classification: Likely benign for GRIA1-related condition. Last evaluated: 2019-08-21. Review status: no assertion criteria provided. Collection method: clinical testing. Allele origin: germline.
Comment: This variant is classified as likely benign based on ACMG/AMP sequence variant interpretation guidelines (Richards et al. 2015 PMID: 25741868, with internal and published modifications).